The following is an entry in ClinVar:

NM_000553.6(WRN):c.1889A>G (p.Asp630Gly)

Gene: WRN (WRN RecQ like helicase; plus strand). Cytogenetic location: 8p12.
Variant type: single nucleotide variant.
Coding change: c.1889A>G on transcript NM_000553.6 (MANE Select); coding-DNA position 1889, A replaced by G.
Protein change: p.Asp630Gly; replaces aspartic acid 630 with glycine.
Molecular consequence: missense variant.
Genome position (GRCh38, 1-based): chr8:31,091,889, A>G. VCF-style: chr8-31091889-A-G. GRCh37 (hg19) VCF-style: chr8-30949405-A-G.
Other names: short protein forms D630G.
Identifiers: ClinVar variation 1929865 (VCV001929865.5), dbSNP rs779430282, ClinGen allele CA4704519.

ClinVar aggregate classification (germline): Uncertain significance (1 of 4 stars; one submission).

Conditions:
Werner syndrome (WRN). Identifiers: Orphanet 902, MedGen C0043119, MONDO:0010196, OMIM 277700.

Allele frequency attached by ClinVar (database versions not stated): gnomAD exomes below 0.00001; ExAC 0.00001.
gnomAD v4.1: 2 of 1,613,026 alleles (0.00012%); highest among the groups gnomAD compares: South Asian, 0.0011%; no homozygotes.

Submission:

Labcorp Genetics (formerly Invitae), Labcorp
Classification: Uncertain significance for Werner syndrome. Last evaluated: 2022-07-23. Review status: criteria provided, single submitter. Criteria: Invitae Variant Classification Sherloc (09022015). Collection method: clinical testing. Allele origin: germline.
Comment: In summary, the available evidence is currently insufficient to determine the role of this variant in disease. Therefore, it has been classified as a Variant of Uncertain Significance. RNA analysis performed to evaluate the impact of this missense change on mRNA splicing indicates it does not significantly alter splicing (Invitae). Algorithms developed to predict the effect of missense changes on protein structure and function are either unavailable or do not agree on the potential impact of this missense change (SIFT: "Not Available"; PolyPhen-2: "Benign"; Align-GVGD: "Not Available"). This variant has not been reported in the literature in individuals affected with WRN-related conditions. This variant is present in population databases (rs779430282, gnomAD 0.0009%). This sequence change replaces aspartic acid, which is acidic and polar, with glycine, which is neutral and non-polar, at codon 630 of the WRN protein (p.Asp630Gly).